The following is an entry in ClinVar:

NM_020937.4(FANCM):c.683T>A (p.Val228Asp)

Gene: FANCM (FA complementation group M; plus strand). Cytogenetic location: 14q21.2.
Variant type: single nucleotide variant.
Coding change: c.683T>A on transcript NM_020937.4 (MANE Select); coding-DNA position 683, T replaced by A.
Protein change: p.Val228Asp; replaces valine 228 with aspartic acid.
Molecular consequence: missense variant. On other transcripts: intron variant (1).
Genome position (GRCh38, 1-based): chr14:45,140,633, T>A. VCF-style: chr14-45140633-T-A. GRCh37 (hg19) VCF-style: chr14-45609836-T-A.
Other names: c.683T>A, p.Val228Asp (NM_001308134.2); c.681+3392T>A (NM_001308133.2); short protein forms V228D.
Identifiers: ClinVar variation 3512917 (VCV003512917.1).

ClinVar aggregate classification (germline): Uncertain significance (1 of 4 stars; one submission).

Conditions:
Inborn genetic diseases. Identifiers: MedGen C0950123, MeSH D030342.

Submission:

Ambry Genetics
Classification: Uncertain significance for Inborn genetic diseases. Last evaluated: 2024-11-24. Review status: criteria provided, single submitter. Criteria: Ambry Variant Classification Scheme 2023. Collection method: clinical testing. Allele origin: germline.
Comment: The p.V228D variant (also known as c.683T>A), located in coding exon 3 of the FANCM gene, results from a T to A substitution at nucleotide position 683. The valine at codon 228 is replaced by aspartic acid, an amino acid with highly dissimilar properties. This amino acid position is conserved. In addition, the in silico prediction for this alteration is inconclusive. Based on the available evidence, the clinical significance of this variant remains unclear.